The following is an entry in ClinVar:

ClinVar aggregate classification (germline): Uncertain significance. Review status: criteria provided, multiple submitters, no conflicts (2 of 4 stars). 4 submissions from 4 submitters: Uncertain significance (4). Last evaluated 2026-03-31.

Conditions:
Pheochromocytoma. Also called: MAX-Related Hereditary Paraganglioma-Pheochromocytoma Syndrome. Identifiers: Orphanet 29072, MedGen C0031511, MONDO:0008233, OMIM 171300, HP:0002666.
Hereditary cancer-predisposing syndrome. Also called: Hereditary Cancer Syndrome; Neoplastic Syndromes, Hereditary; Hereditary neoplastic syndrome; Tumor predisposition. Identifiers: Orphanet 140162, MedGen C0027672, MeSH D009386, MONDO:0015356.
Hereditary pheochromocytoma and paraganglioma. Also called: Hereditary Paraganglioma-Pheochromocytoma Syndromes; Hereditary paragangliomas and pheochromocytomas; Hereditary pheochromocytoma-paraganglioma. Identifiers: Orphanet 29072, MedGen C4274332, MONDO:0017366.

Allele frequency attached by ClinVar (database versions not stated): gnomAD exomes below 0.00001; gnomAD 0.00001; TOPMed below 0.00001.
gnomAD v4.1: 4 of 1,614,126 alleles (0.00025%); highest among the groups gnomAD compares: Non-Finnish European, 0.00034%; no homozygotes.

Submissions (4):

GeneDx
Classification: Uncertain significance. Last evaluated: 2026-03-31. Review status: criteria provided, single submitter. Criteria: GeneDx Variant Classification Process June 2021. Collection method: clinical testing. Allele origin: germline.
Comment: In silico analysis supports that this missense variant has a deleterious effect on protein structure/function; Has not been previously published as pathogenic or benign to our knowledge; This variant is associated with the following publications: (PMID: 21156949)

Labcorp Genetics (formerly Invitae), Labcorp
Classification: Uncertain significance for Hereditary pheochromocytoma and paraganglioma. Last evaluated: 2025-12-28. Review status: criteria provided, single submitter. Criteria: Invitae Variant Classification Sherloc (09022015). Collection method: clinical testing. Allele origin: germline.
Comment: This sequence change replaces cysteine, which is neutral and slightly polar, with serine, which is neutral and polar, at codon 100 of the TMEM127 protein (p.Cys100Ser). This variant is present in population databases (no rsID available, gnomAD 0.0009%). This variant has not been reported in the literature in individuals affected with TMEM127-related conditions. ClinVar contains an entry for this variant (Variation ID: 337505). An algorithm developed to predict the effect of missense changes on protein structure and function (PolyPhen-2) suggests that this variant is likely to be disruptive. In summary, the available evidence is currently insufficient to determine the role of this variant in disease. Therefore, it has been classified as a Variant of Uncertain Significance.

Ambry Genetics
Classification: Uncertain significance for Hereditary cancer-predisposing syndrome. Last evaluated: 2024-05-19. Review status: criteria provided, single submitter. Criteria: Ambry Variant Classification Scheme 2023. Collection method: clinical testing. Allele origin: germline.
Comment: The p.C100S variant (also known as c.299G>C), located in coding exon 2 of the TMEM127 gene, results from a G to C substitution at nucleotide position 299. The cysteine at codon 100 is replaced by serine, an amino acid with dissimilar properties. This amino acid position is conserved. In addition, the in silico prediction for this alteration is inconclusive. Based on the available evidence, the clinical significance of this variant remains unclear.

Illumina Laboratory Services, Illumina
Classification: Uncertain significance for Pheochromocytoma. Last evaluated: 2018-01-13. Review status: criteria provided, single submitter. Criteria: ICSL Variant Classification Criteria 13 December 2019. Collection method: clinical testing. Allele origin: germline.

NM_017849.4(TMEM127):c.299G>C (p.Cys100Ser)

Gene: TMEM127 (transmembrane protein 127; minus strand). Cytogenetic location: 2q11.2.
Variant type: single nucleotide variant.
Coding change: c.299G>C on transcript NM_017849.4 (MANE Select); coding-DNA position 299, G replaced by C.
Protein change: p.Cys100Ser; replaces cysteine 100 with serine.
Molecular consequence: missense variant.
Genome position (GRCh38, 1-based): chr2:96,254,943, C>G on the plus strand (G>C on the coding strand, the complement: TMEM127 is on the minus strand). VCF-style: chr2-96254943-C-G. GRCh37 (hg19) VCF-style: chr2-96920681-C-G.
Other names: c.299G>C, p.Cys100Ser (NM_001193304.3); short protein forms C100S.
Identifiers: ClinVar variation 337505 (VCV000337505.14), dbSNP rs886056447, ClinGen allele CA10616496.